The following is an entry in ClinVar:

ClinVar aggregate classification (germline): Uncertain significance (1 of 4 stars; one submission).

gnomAD v4.1: 2 of 1,613,390 alleles (0.00012%); highest among the groups gnomAD compares: Admixed American, 0.0033%; no homozygotes.

Submission:

Labcorp Genetics (formerly Invitae), Labcorp
Classification: Uncertain significance. Last evaluated: 2023-08-04. Review status: criteria provided, single submitter. Criteria: Invitae Variant Classification Sherloc (09022015). Collection method: clinical testing. Allele origin: germline.
Comment: This sequence change replaces arginine, which is basic and polar, with proline, which is neutral and non-polar, at codon 558 of the SNRNP200 protein (p.Arg558Pro). This variant is present in population databases (no rsID available, gnomAD 0.003%). This variant has not been reported in the literature in individuals affected with SNRNP200-related conditions. ClinVar contains an entry for this variant (Variation ID: 1968342). An algorithm developed to predict the effect of missense changes on protein structure and function (PolyPhen-2) suggests that this variant is likely to be disruptive. In summary, the available evidence is currently insufficient to determine the role of this variant in disease. Therefore, it has been classified as a Variant of Uncertain Significance.

NM_014014.5(SNRNP200):c.1673G>C (p.Arg558Pro)

Gene: SNRNP200 (small nuclear ribonucleoprotein U5 subunit 200; minus strand). Cytogenetic location: 2q11.2.
Variant type: single nucleotide variant.
Coding change: c.1673G>C on transcript NM_014014.5 (MANE Select); coding-DNA position 1673, G replaced by C.
Protein change: p.Arg558Pro; replaces arginine 558 with proline.
Molecular consequence: missense variant.
Genome position (GRCh38, 1-based): chr2:96,295,657, C>G on the plus strand (G>C on the coding strand, the complement: SNRNP200 is on the minus strand). VCF-style: chr2-96295657-C-G. GRCh37 (hg19) VCF-style: chr2-96961395-C-G.
Other names: short protein forms R558P.
Identifiers: ClinVar variation 1968342 (VCV001968342.5), dbSNP rs761340019, ClinGen allele CA347681224.
Genomic context (GRCh38, chr2:96,295,657, plus strand): 5'-TCTTTGCACAGCTGGTGGTCCCCAGTCAGTTCAGCAACAGTGATGCCATAAGTGGCCAGG[C>G]GCTGTGGGAGGAAAACTACATCAGGCAGGAATGCTTGAAGGGGCCTGGACACCATGCTTT-3'
Protein context (NP_054733.2, residues 548-568): VQEMVGSFGK[Arg558Pro]LATYGITVAE